The following is an entry in ClinVar:

ClinVar aggregate classification (germline): Uncertain significance. Review status: criteria provided, multiple submitters, no conflicts (2 of 4 stars). 2 submissions from 2 submitters: Uncertain significance (2). Last evaluated 2025-07-02.

Conditions:
Inborn genetic diseases. Identifiers: MedGen C0950123, MeSH D030342.

Allele frequency attached by ClinVar (database versions not stated): gnomAD 0.00003; TOPMed 0.00003; gnomAD exomes 0.00004.
gnomAD v4.1: 65 of 1,609,488 alleles (0.004%); highest among the groups gnomAD compares: Non-Finnish European, 0.0054%; no homozygotes.

Submissions (2):

Ambry Genetics
Classification: Uncertain significance for Inborn genetic diseases. Last evaluated: 2025-07-02. Review status: criteria provided, single submitter. Criteria: Ambry Variant Classification Scheme 2023. Collection method: clinical testing. Allele origin: germline.

Labcorp Genetics (formerly Invitae), Labcorp
Classification: Uncertain significance. Last evaluated: 2023-05-20. Review status: criteria provided, single submitter. Criteria: Invitae Variant Classification Sherloc (09022015). Collection method: clinical testing. Allele origin: germline.
Comment: This variant has not been reported in the literature in individuals affected with TRAPPC12-related conditions. In summary, the available evidence is currently insufficient to determine the role of this variant in disease. Therefore, it has been classified as a Variant of Uncertain Significance. Advanced modeling of protein sequence and biophysical properties (such as structural, functional, and spatial information, amino acid conservation, physicochemical variation, residue mobility, and thermodynamic stability) performed at Invitae indicates that this missense variant is expected to disrupt TRAPPC12 protein function. This variant is present in population databases (rs201299468, gnomAD 0.003%). This sequence change replaces tyrosine, which is neutral and polar, with cysteine, which is neutral and slightly polar, at codon 468 of the TRAPPC12 protein (p.Tyr468Cys).

NM_016030.6(TRAPPC12):c.1403A>G (p.Tyr468Cys)

Gene: TRAPPC12 (trafficking protein particle complex subunit 12; plus strand). Cytogenetic location: 2p25.3.
Variant type: single nucleotide variant.
Coding change: c.1403A>G on transcript NM_016030.6 (MANE Select); coding-DNA position 1403, A replaced by G.
Protein change: p.Tyr468Cys; replaces tyrosine 468 with cysteine.
Molecular consequence: missense variant.
Genome position (GRCh38, 1-based): chr2:3,424,649, A>G. VCF-style: chr2-3424649-A-G. GRCh37 (hg19) VCF-style: chr2-3428420-A-G.
Other names: c.1403A>G, p.Tyr468Cys (NM_001321102.2); c.1403A>G (NM_016030.5); short protein forms Y468C.
Identifiers: ClinVar variation 3022810 (VCV003022810.4), dbSNP rs201299468, ClinGen allele CA41500866.